The following is an entry in ClinVar:

ClinVar aggregate classification (germline): Uncertain significance (1 of 4 stars; one submission).

Submission:

CeGaT Center for Human Genetics Tuebingen
Classification: Uncertain significance. Last evaluated: 2025-11-01. Review status: criteria provided, single submitter. Criteria: CeGaT Center For Human Genetics Tuebingen Variant Classification Criteria Version 2. Collection method: clinical testing. Allele origin: germline. Affected: yes. Observed: 1 variant allele.
Comment: SYCE1: PM2

NC_000010.11:g.133568442C>T

Gene: SYCE1 (synaptonemal complex central element protein 1; minus strand). Cytogenetic location: 10q26.3.
Variant type: single nucleotide variant.
Molecular consequence: non-coding transcript variant (on NR_033789.2).
Genome position: GRCh38 VCF-style: chr10-133568442-C-T. GRCh37 (hg19) VCF-style: chr10-135381946-C-T.
Identifiers: ClinVar variation 4534108 (VCV004534108.6).